The following is an entry in ClinVar:

ClinVar aggregate classification (germline): Uncertain significance (1 of 4 stars; one submission).

Submission:

Labcorp Genetics (formerly Invitae), Labcorp
Classification: Uncertain significance. Last evaluated: 2021-11-28. Review status: criteria provided, single submitter. Criteria: Invitae Variant Classification Sherloc (09022015). Collection method: clinical testing. Allele origin: germline.
Comment: This variant is not present in population databases (gnomAD no frequency). This sequence change replaces lysine, which is basic and polar, with arginine, which is basic and polar, at codon 241 of the GFM2 protein (p.Lys241Arg). This variant has not been reported in the literature in individuals affected with GFM2-related conditions. In summary, the available evidence is currently insufficient to determine the role of this variant in disease. Therefore, it has been classified as a Variant of Uncertain Significance. Algorithms developed to predict the effect of missense changes on protein structure and function (SIFT, PolyPhen-2, Align-GVGD) all suggest that this variant is likely to be tolerated.

NM_032380.5(GFM2):c.722A>G (p.Lys241Arg)

Gene: GFM2 (GTP dependent ribosome recycling factor mitochondrial 2; minus strand). Cytogenetic location: 5q13.3.
Variant type: single nucleotide variant.
Coding change: c.722A>G on transcript NM_032380.5 (MANE Select); coding-DNA position 722, A replaced by G.
Protein change: p.Lys241Arg; replaces lysine 241 with arginine.
Molecular consequence: missense variant. On other transcripts: non-coding transcript variant (1).
Genome position (GRCh38, 1-based): chr5:74,745,805, T>C on the plus strand (A>G on the coding strand, the complement: GFM2 is on the minus strand). VCF-style: chr5-74745805-T-C. GRCh37 (hg19) VCF-style: chr5-74041630-T-C.
Other names: c.818A>G, p.Lys273Arg (NM_001281302.2); c.722A>G, p.Lys241Arg (NM_170681.3, NM_170691.3); short protein forms K241R, K273R.
Identifiers: ClinVar variation 1481197 (VCV001481197.6), dbSNP rs2112296264, ClinGen allele CA360082354.
Genomic context (GRCh38, chr5:74,745,805, plus strand): 5'-AGGGGCTTTCTCTCAAAGTCTTTTCCATCATTTGAATTGCAATTCCAAAGAAGTTTTTCT[T>C]TCATTACTACATCCACCACTCCTTTGAAAGTTTTGGCTTCACCAATTGGTAACTGTAAGT-3'
Protein context (NP_115756.2, residues 231-251): TFKGVVDVVM[Lys241Arg]EKLLWNCNSN